The following is an entry in ClinVar:

NM_000492.4(CFTR):c.2619+842A>G

Gene: CFTR (CF transmembrane conductance regulator; plus strand). Cytogenetic location: 7q31.2.
Variant type: single nucleotide variant.
Coding change: c.2619+842A>G on transcript NM_000492.4 (MANE Select); 842 bases into the intron after coding-DNA position 2619, A replaced by G.
Molecular consequence: intron variant.
Genome position (GRCh38, 1-based): chr7:117,595,900, A>G. VCF-style: chr7-117595900-A-G. GRCh37 (hg19) VCF-style: chr7-117235954-A-G.
Identifiers: ClinVar variation 4280104 (VCV004280104.1).

ClinVar aggregate classification (germline): Uncertain significance (1 of 4 stars; one submission).

Conditions:
Von Hippel-Lindau syndrome (VHLS). Also called: von Hippel–Lindau syndrome; VHL syndrome; Von Hippel-Lindau. Identifiers: Orphanet 892, MedGen C0019562, MONDO:0008667, OMIM 193300. Disease mechanism: loss of function.

gnomAD v4.1: 3 of 152,192 alleles (0.002%); highest among the groups gnomAD compares: Admixed American, 0.02%; no homozygotes.

Submission:

Johns Hopkins Genomics, Johns Hopkins University
Classification: Uncertain significance for Von Hippel-Lindau syndrome. Last evaluated: 2025-09-25. Review status: criteria provided, single submitter. Criteria: ACMG Guidelines, 2015. Collection method: clinical testing. Allele origin: germline.
Comment: The clinical significance of this variant is uncertain (PM2).